The following is an entry in ClinVar:

NM_003072.5(SMARCA4):c.860-18C>T

Gene: SMARCA4 (SWI/SNF related BAF chromatin remodeling complex subunit ATPase 4; plus strand). Cytogenetic location: 19p13.2.
Variant type: single nucleotide variant.
Coding change: c.860-18C>T on transcript NM_003072.5 (MANE Select); 18 bases into the intron before coding-DNA position 860, C replaced by T.
Molecular consequence: intron variant.
Genome position (GRCh38, 1-based): chr19:10,987,648, C>T. VCF-style: chr19-10987648-C-T. GRCh37 (hg19) VCF-style: chr19-11098324-C-T.
Other names: c.860-18C>T (NM_001128844.3, NM_001128849.3, NM_001128847.4 and 5 more transcripts).
Identifiers: ClinVar variation 1588005 (VCV001588005.9), dbSNP rs1179499482, ClinGen allele CA632115173.

ClinVar aggregate classification (germline): Likely benign. Review status: criteria provided, multiple submitters, no conflicts (2 of 4 stars). 2 submissions from 2 submitters: Likely benign (2). Last evaluated 2026-07-06.

Conditions:
Rhabdoid tumor predisposition syndrome 2 (RTPS2). Identifiers: Orphanet 231108, Orphanet 69077, MedGen C2750074, MONDO:0013224, OMIM 613325.

Allele frequency attached by ClinVar (database versions not stated): gnomAD 0.00001; gnomAD exomes below 0.00001; TOPMed 0.00001.
gnomAD v4.1: 3 of 1,612,760 alleles (0.00019%); highest among the groups gnomAD compares: Admixed American, 0.0033%; no homozygotes.

Submissions (2):

Myriad Genetics, Inc.
Classification: Likely benign for Rhabdoid tumor predisposition syndrome 2. Last evaluated: 2026-07-06. Review status: criteria provided, single submitter. Criteria: Myriad Autosomal Dominant, Autosomal Recessive and X-Linked Classification Criteria (2023). Collection method: clinical testing. Allele origin: unknown.
Comment: This variant is considered likely benign. This variant is intronic and is not expected to impact mRNA splicing.

Labcorp Genetics (formerly Invitae), Labcorp
Classification: Likely benign for Rhabdoid tumor predisposition syndrome 2. Last evaluated: 2025-12-26. Review status: criteria provided, single submitter. Criteria: Invitae Variant Classification Sherloc (09022015). Collection method: clinical testing. Allele origin: germline.